The following is an entry in ClinVar:

NM_015450.3(POT1):c.79G>T (p.Gly27Cys)

Gene: POT1 (protection of telomeres 1; minus strand). Cytogenetic location: 7q31.33.
Variant type: single nucleotide variant.
Coding change: c.79G>T on transcript NM_015450.3 (MANE Select); coding-DNA position 79, G replaced by T.
Protein change: p.Gly27Cys; replaces glycine 27 with cysteine.
Molecular consequence: missense variant. On other transcripts: 5 prime UTR variant (1), non-coding transcript variant (3).
Genome position (GRCh38, 1-based): chr7:124,892,311, C>A on the plus strand (G>T on the coding strand, the complement: POT1 is on the minus strand). VCF-style: chr7-124892311-C-A. GRCh37 (hg19) VCF-style: chr7-124532365-C-A.
Other names: c.-184G>T (NM_001042594.2); short protein forms G27C.
Identifiers: ClinVar variation 3660142 (VCV003660142.2).
Genomic context (GRCh38, chr7:124,892,311, plus strand): 5'-AGTTTTAATACCTACCAGTTCCTTTGCTTAGATATGGGGGCTTAAAGAACTTCACAACAC[C>A]ATAGACATTGACAATTGTACCACCCTTAAGTTGATTCAGGGGTGTATATATATAATTTGT-3'
Protein context (NP_056265.2, residues 17-37): LKGGTIVNVY[Gly27Cys]VVKFFKPPYL

ClinVar aggregate classification (germline): Uncertain significance (1 of 4 stars; one submission).

Conditions:
Tumor predisposition syndrome 3 (TPDS3). Also called: Melanoma, cutaneous malignant, susceptibility to, 10; Glioma susceptibility 9; LONG TELOMERE SYNDROME, POT1-RELATED; POT1 Tumor Predisposition. Identifiers: Orphanet 618, MedGen C4014476, MONDO:0014368, OMIM 615848.

gnomAD v4.1: 1 of 1,543,866 alleles (0.000065%); highest among the groups gnomAD compares: Non-Finnish European, 0.000087%; no homozygotes.

Submission:

Labcorp Genetics (formerly Invitae), Labcorp
Classification: Uncertain significance for Tumor predisposition syndrome 3. Last evaluated: 2024-07-22. Review status: criteria provided, single submitter. Criteria: Invitae Variant Classification Sherloc (09022015). Collection method: clinical testing. Allele origin: germline.
Comment: This sequence change replaces glycine, which is neutral and non-polar, with cysteine, which is neutral and slightly polar, at codon 27 of the POT1 protein (p.Gly27Cys). This variant is not present in population databases (gnomAD no frequency). This variant has not been reported in the literature in individuals affected with POT1-related conditions. Advanced modeling of protein sequence and biophysical properties (such as structural, functional, and spatial information, amino acid conservation, physicochemical variation, residue mobility, and thermodynamic stability) performed at Invitae indicates that this missense variant is not expected to disrupt POT1 protein function with a negative predictive value of 80%. In summary, the available evidence is currently insufficient to determine the role of this variant in disease. Therefore, it has been classified as a Variant of Uncertain Significance.